The following is an entry in ClinVar:

NM_001394073.1(HS6ST2):c.1406C>T (p.Ala469Val)

Gene: HS6ST2 (heparan sulfate 6-O-sulfotransferase 2; minus strand). Cytogenetic location: Xq26.2.
Variant type: single nucleotide variant.
Coding change: c.1406C>T on transcript NM_001394073.1 (MANE Select); coding-DNA position 1406, C replaced by T.
Protein change: p.Ala469Val; replaces alanine 469 with valine.
Molecular consequence: missense variant.
Genome position (GRCh38, 1-based): chrX:132,628,755, G>A on the plus strand (C>T on the coding strand, the complement: HS6ST2 is on the minus strand). VCF-style: chrX-132628755-G-A. GRCh37 (hg19) VCF-style: chrX-131762783-G-A.
Other names: c.1406C>T, p.Ala469Val (NM_001077188.2); c.1286C>T, p.Ala429Val (NM_001394074.1, NM_147175.4); short protein forms A429V, A469V.
Identifiers: ClinVar variation 2661453 (VCV002661453.24), dbSNP rs966651728, ClinGen allele CA335898105.

ClinVar aggregate classification (germline): Uncertain significance (1 of 4 stars; one submission).

Allele frequency attached by ClinVar (database versions not stated): gnomAD exomes 0.00001; TOPMed 0.00001.
gnomAD v4.1: 11 of 1,211,614 alleles (0.00091%); highest among the groups gnomAD compares: Middle Eastern, 0.023%; no homozygotes.

Submission:

CeGaT Center for Human Genetics Tuebingen
Classification: Uncertain significance. Last evaluated: 2023-04-01. Review status: criteria provided, single submitter. Criteria: CeGaT Center For Human Genetics Tuebingen Variant Classification Criteria Version 2. Collection method: clinical testing. Allele origin: germline. Affected: yes. Observed: 1 variant allele.
Comment: HS6ST2: PM2, PP3